The following is an entry in ClinVar:

ClinVar aggregate classification (germline): Uncertain significance (1 of 4 stars; one submission).

Submission:

GeneDx
Classification: Uncertain significance. Last evaluated: 2026-03-16. Review status: criteria provided, single submitter. Criteria: GeneDx Variant Classification Process June 2021. Collection method: clinical testing. Allele origin: germline.
Comment: Not observed at significant frequency in large population cohorts (gnomAD); In silico analysis supports that this missense variant has a deleterious effect on protein structure/function; Has not been previously published as pathogenic or benign to our knowledge

NM_018896.5(CACNA1G):c.6338C>T (p.Thr2113Ile)

Gene: CACNA1G (calcium voltage-gated channel subunit alpha1 G; plus strand). Cytogenetic location: 17q21.33.
Variant type: single nucleotide variant.
Coding change: c.6338C>T on transcript NM_018896.5 (MANE Select); coding-DNA position 6338, C replaced by T.
Protein change: p.Thr2113Ile; replaces threonine 2113 with isoleucine.
Molecular consequence: missense variant. On other transcripts: non-coding transcript variant (5).
Genome position (GRCh38, 1-based): chr17:50,624,468, C>T. VCF-style: chr17-50624468-C-T. GRCh37 (hg19) VCF-style: chr17-48701829-C-T.
Other names: c.5978C>T, p.Thr1993Ile (NM_001256359.2); c.5951C>T, p.Thr1984Ile (NM_001256360.2); c.5945C>T, p.Thr1982Ile (NM_001256361.2); c.5957C>T, p.Thr1986Ile (NM_198376.3, NM_001256329.2, NM_198387.3); c.6305C>T, p.Thr2102Ile (NM_198377.3); c.6026C>T, p.Thr2009Ile (NM_198378.3, NM_001256334.2); c.6101C>T, p.Thr2034Ile (NM_198379.3); c.6170C>T, p.Thr2057Ile (NM_198380.3); and 15 more; short protein forms T1963I, T1968I, T1975I, T1979I, T1982I, T1984I, T1986I, T1993I.
Identifiers: ClinVar variation 4072692 (VCV004072692.2).
Genomic context (GRCh38, chr17:50,624,468, plus strand): 5'-TGCAGCTTCCCAAAGATGCACCTCATCTGCTCCAGCCCCACAGCGCCCCAACCTGGGGCA[C>T]CATCCCCAAACTGCCCCCACCAGGACGCTCCCCTTTGGCTCAGAGGCCACTCAGGCGCCA-3'
Protein context (NP_061496.2, residues 2103-2123): LQPHSAPTWG[Thr2113Ile]IPKLPPPGRS